The following is an entry in ClinVar:

NM_138348.6(OTULIN):c.820A>G (p.Arg274Gly)

Gene: OTULIN (OTU deubiquitinase with linear linkage specificity; plus strand). Cytogenetic location: 5p15.2.
Variant type: single nucleotide variant.
Coding change: c.820A>G on transcript NM_138348.6 (MANE Select); coding-DNA position 820, A replaced by G.
Protein change: p.Arg274Gly; replaces arginine 274 with glycine.
Molecular consequence: missense variant.
Genome position (GRCh38, 1-based): chr5:14,690,264, A>G. VCF-style: chr5-14690264-A-G. GRCh37 (hg19) VCF-style: chr5-14690373-A-G.
Other names: short protein forms R274G.
Identifiers: ClinVar variation 4774717 (VCV004774717.1).

ClinVar aggregate classification (germline): Uncertain significance (1 of 4 stars; one submission).

Submission:

Labcorp Genetics (formerly Invitae), Labcorp
Classification: Uncertain significance. Last evaluated: 2025-08-12. Review status: criteria provided, single submitter. Criteria: Invitae Variant Classification Sherloc (09022015). Collection method: clinical testing. Allele origin: germline.
Comment: This sequence change replaces arginine, which is basic and polar, with glycine, which is neutral and non-polar, at codon 274 of the OTULIN protein (p.Arg274Gly). This variant is not present in population databases (gnomAD no frequency). This variant has not been reported in the literature in individuals affected with OTULIN-related conditions. Invitae Evidence Modeling of protein sequence and biophysical properties (such as structural, functional, and spatial information, amino acid conservation, physicochemical variation, residue mobility, and thermodynamic stability) indicates that this missense variant is not expected to disrupt OTULIN protein function with a negative predictive value of 80%. In summary, the available evidence is currently insufficient to determine the role of this variant in disease. Therefore, it has been classified as a Variant of Uncertain Significance.